The following is an entry in ClinVar:

ClinVar aggregate classification (germline): Uncertain significance (1 of 4 stars; one submission).

Submission:

Women's Health and Genetics/Laboratory Corporation of America, LabCorp
Classification: Uncertain significance. Last evaluated: 2026-05-06. Review status: criteria provided, single submitter. Criteria: LabCorp Variant Classification Summary - May 2015. Collection method: clinical testing. Allele origin: germline.
Comment: Variant summary: SERPINA1 c.1065G>T (p.Lys355Asn) results in a non-conservative amino acid change in the encoded protein sequence. Algorithms developed to predict the effect of missense changes on protein structure and function all suggest that this variant is likely to be disruptive. Several computational tools predict a significant impact on normal splicing: One predict the variant abolishes a 5' splicing donor site. Three predict the variant weakens a 5' donor site. However, these predictions have yet to be confirmed by functional studies. The variant was absent in 251426 control chromosomes. The available data on variant occurrences in the general population are insufficient to allow any conclusion about variant significance. To our knowledge, no occurrence of c.1065G>T in individuals affected with SERPINA1-related conditions and no experimental evidence demonstrating its impact on protein function have been reported. No submitters have cited clinical-significance assessments for this variant to ClinVar. Based on the evidence outlined above, the variant was classified as uncertain significance.

NM_000295.5(SERPINA1):c.1065G>T (p.Lys355Asn)

Gene: SERPINA1 (serpin family A member 1; minus strand). Cytogenetic location: 14q32.13.
Variant type: single nucleotide variant.
Coding change: c.1065G>T on transcript NM_000295.5 (MANE Select); coding-DNA position 1065, G replaced by T.
Protein change: p.Lys355Asn; replaces lysine 355 with asparagine.
Molecular consequence: missense variant.
Genome position (GRCh38, 1-based): chr14:94,379,464, C>A on the plus strand (G>T on the coding strand, the complement: SERPINA1 is on the minus strand). VCF-style: chr14-94379464-C-A. GRCh37 (hg19) VCF-style: chr14-94845801-C-A.
Other names: c.1065G>T, p.Lys355Asn (NM_001002235.3, NM_001002236.3, NM_001127700.2 and 7 more transcripts); short protein forms K355N.
Identifiers: ClinVar variation 4853521 (VCV004853521.1).